The following is an entry in ClinVar:

ClinVar aggregate classification (germline): Likely benign (1 of 4 stars; one submission).

Allele frequency attached by ClinVar (database versions not stated): gnomAD exomes 0.00001; gnomAD 0.00002; TOPMed 0.00003; ESP Exome Variant Server 0.00008.
gnomAD v4.1: 31 of 1,565,776 alleles (0.002%); highest among the groups gnomAD compares: Non-Finnish European, 0.0026%; no homozygotes.

Submission:

GeneDx
Classification: Likely benign. Last evaluated: 2016-03-14. Review status: criteria provided, single submitter. Criteria: GeneDx Variant Classification (06012015). Collection method: clinical testing. Allele origin: germline. Affected: yes.
Comment: This variant is considered likely benign or benign based on one or more of the following criteria: it is a conservative change, it occurs at a poorly conserved position in the protein, it is predicted to be benign by multiple in silico algorithms, and/or has population frequency not consistent with disease.

NM_000182.5(HADHA):c.-20G>T

Genes: HADHA (hydroxyacyl-CoA dehydrogenase trifunctional multienzyme complex subunit alpha; minus strand), HADHB (hydroxyacyl-CoA dehydrogenase trifunctional multienzyme complex subunit beta; plus strand). Cytogenetic location: 2p23.3.
Variant type: single nucleotide variant.
Coding change: c.-20G>T on transcript NM_000182.5 (MANE Select); 20 bases upstream of the start codon, G replaced by T.
Molecular consequence: 5 prime UTR variant.
Genome position (GRCh38, 1-based): chr2:26,244,616, C>A on the plus strand (G>T on the coding strand, the complement: HADHA is on the minus strand). VCF-style: chr2-26244616-C-A. GRCh37 (hg19) VCF-style: chr2-26467484-C-A.
Identifiers: ClinVar variation 384221 (VCV000384221.1), dbSNP rs370081402, ClinGen allele CA16604199.
Genomic context (GRCh38, chr2:26,244,616, plus strand): 5'-GAAAAGCGGCTGAGGATGCCAATCGCCCGGCAGGCCACCATCTTGAGCTGAAGAGGACAG[C>A]AGTGGAGAGCGCCTCTAACGGGTGCGGCCGAGCGGAGGACTTTTCTCCCGTAGCCTGGCA-3'